The following is an entry in ClinVar:

ClinVar aggregate classification (germline): Uncertain significance. Review status: criteria provided, multiple submitters, no conflicts (2 of 4 stars). 2 submissions from 2 submitters: Uncertain significance (2). Last evaluated 2022-08-27.

Conditions:
Hereditary cancer-predisposing syndrome. Also called: Hereditary neoplastic syndrome; Neoplastic Syndromes, Hereditary; Hereditary Cancer Syndrome; Tumor predisposition. Identifiers: Orphanet 140162, MedGen C0027672, MeSH D009386, MONDO:0015356.
Familial adenomatous polyposis 1 (FAP1). Also called: FAMILIAL ADENOMATOUS POLYPOSIS 1, ATTENUATED; POLYPOSIS, ADENOMATOUS INTESTINAL. Identifiers: MedGen C2713442, MONDO:0021056, OMIM 175100. Disease mechanism: loss of function.

Submissions (2):

Labcorp Genetics (formerly Invitae), Labcorp
Classification: Uncertain significance for Familial adenomatous polyposis 1. Last evaluated: 2022-08-27. Review status: criteria provided, single submitter. Criteria: Invitae Variant Classification Sherloc (09022015). Collection method: clinical testing. Allele origin: germline.
Comment: In summary, the available evidence is currently insufficient to determine the role of this variant in disease. Therefore, it has been classified as a Variant of Uncertain Significance. Algorithms developed to predict the effect of missense changes on protein structure and function are either unavailable or do not agree on the potential impact of this missense change (SIFT: "Tolerated"; PolyPhen-2: "Probably Damaging"; Align-GVGD: "Class C0"). This sequence change replaces threonine, which is neutral and polar, with serine, which is neutral and polar, at codon 2229 of the APC protein (p.Thr2229Ser). This variant is not present in population databases (gnomAD no frequency). This variant has not been reported in the literature in individuals affected with APC-related conditions.

Ambry Genetics
Classification: Uncertain significance for Hereditary cancer-predisposing syndrome. Last evaluated: 2021-01-12. Review status: criteria provided, single submitter. Criteria: Ambry Variant Classification Scheme 2023. Collection method: clinical testing. Allele origin: germline.
Comment: The p.T2229S variant (also known as c.6685A>T), located in coding exon 15 of the APC gene, results from an A to T substitution at nucleotide position 6685. The threonine at codon 2229 is replaced by serine, an amino acid with similar properties. This amino acid position is highly conserved in available vertebrate species. In addition, in silico predictors for this gene do not accurately predict pathogenicity. Since supporting evidence is limited at this time, the clinical significance of this alteration remains unclear.

NM_000038.6(APC):c.6685A>T (p.Thr2229Ser)

Gene: APC (APC regulator of Wnt signaling pathway; plus strand). Cytogenetic location: 5q22.2.
Variant type: single nucleotide variant.
Coding change: c.6685A>T on transcript NM_000038.6 (MANE Select); coding-DNA position 6685, A replaced by T.
Protein change: p.Thr2229Ser; replaces threonine 2229 with serine.
Molecular consequence: missense variant.
Genome position (GRCh38, 1-based): chr5:112,842,279, A>T. VCF-style: chr5-112842279-A-T. GRCh37 (hg19) VCF-style: chr5-112177976-A-T.
Other names: c.6685A>T, p.Thr2229Ser (NM_001127510.3, NM_001354895.2, NM_001407450.1); c.6631A>T, p.Thr2211Ser (NM_001127511.3); c.6739A>T, p.Thr2247Ser (NM_001354896.2, NM_001407447.1, NM_001407448.1 and 1 more transcripts); c.6715A>T, p.Thr2239Ser (NM_001354897.2); c.6610A>T, p.Thr2204Ser (NM_001354898.2); c.6601A>T, p.Thr2201Ser (NM_001354899.2); c.6562A>T, p.Thr2188Ser (NM_001354900.2); c.6508A>T, p.Thr2170Ser (NM_001354901.2, NM_001407453.1); and 11 more; short protein forms T1845S, T1946S, T2069S, T2100S, T2103S, T2128S, T2138S, T2146S.
Identifiers: ClinVar variation 1718141 (VCV001718141.8), dbSNP rs757939439, ClinGen allele CA16035947.